The following is an entry in ClinVar:

NM_152393.4(KLHL40):c.709C>T (p.Arg237Cys)

Gene: KLHL40 (kelch like family member 40; plus strand). Cytogenetic location: 3p22.1.
Variant type: single nucleotide variant.
Coding change: c.709C>T on transcript NM_152393.4 (MANE Select); coding-DNA position 709, C replaced by T.
Protein change: p.Arg237Cys; replaces arginine 237 with cysteine.
Molecular consequence: missense variant.
Genome position (GRCh38, 1-based): chr3:42,686,327, C>T. VCF-style: chr3-42686327-C-T. GRCh37 (hg19) VCF-style: chr3-42727819-C-T.
Other names: short protein forms R237C.
Identifiers: ClinVar variation 2179419 (VCV002179419.4), dbSNP rs2125844766, ClinGen allele CA352290558.
Genomic context (GRCh38, chr3:42,686,327, plus strand): 5'-CTGCCCACCGTCTTCGAGAGCGTGCGCTGCCGCTTGCTGCCGCGCGCCTTTCTGGAAAGC[C>T]GCGTGGAGCGCCACCCTCTCGTGCGTGCCCAGCCCGAGTTGCTGCGCAAGGTGCAGATGG-3'
Protein context (NP_689606.2, residues 227-247): RLLPRAFLES[Arg237Cys]VERHPLVRAQ

ClinVar aggregate classification (germline): Uncertain significance (1 of 4 stars; one submission).

Conditions:
Nemaline myopathy 8 (NEM8). Also called: Nemaline myopathy 8, autosomal recessive. Identifiers: Orphanet 171430, MedGen C3809209, MONDO:0014138, OMIM 615348.

Allele frequency attached by ClinVar (database versions not stated): gnomAD exomes below 0.00001.
gnomAD v4.1: 1 of 1,608,208 alleles (0.000062%); highest among the groups gnomAD compares: African/African-American, 0.0013%; no homozygotes.

Submission:

Labcorp Genetics (formerly Invitae), Labcorp
Classification: Uncertain significance for Nemaline myopathy 8. Last evaluated: 2022-08-23. Review status: criteria provided, single submitter. Criteria: Invitae Variant Classification Sherloc (09022015). Collection method: clinical testing. Allele origin: germline.
Comment: This sequence change replaces arginine, which is basic and polar, with cysteine, which is neutral and slightly polar, at codon 237 of the KLHL40 protein (p.Arg237Cys). In summary, the available evidence is currently insufficient to determine the role of this variant in disease. Therefore, it has been classified as a Variant of Uncertain Significance. Algorithms developed to predict the effect of missense changes on protein structure and function are either unavailable or do not agree on the potential impact of this missense change (SIFT: "Deleterious"; PolyPhen-2: "Benign"; Align-GVGD: "Class C35"). This variant has not been reported in the literature in individuals affected with KLHL40-related conditions. This variant is not present in population databases (gnomAD no frequency).